The following is an entry in ClinVar:

NM_006218.4(PIK3CA):c.2220G>T (p.Arg740Ser)

Gene: PIK3CA (phosphatidylinositol-4,5-bisphosphate 3-kinase catalytic subunit alpha; plus strand). Cytogenetic location: 3q26.32.
Variant type: single nucleotide variant.
Coding change: c.2220G>T on transcript NM_006218.4 (MANE Select); coding-DNA position 2220, G replaced by T.
Protein change: p.Arg740Ser; replaces arginine 740 with serine.
Molecular consequence: missense variant.
Genome position (GRCh38, 1-based): chr3:179,224,113, G>T. VCF-style: chr3-179224113-G-T. GRCh37 (hg19) VCF-style: chr3-178941901-G-T.
Other names: short protein forms R740S.
Identifiers: ClinVar variation 1970733 (VCV001970733.5), dbSNP rs755226907, ClinGen allele CA2710906.

ClinVar aggregate classification (germline): Uncertain significance (1 of 4 stars; one submission).

Conditions:
Cowden syndrome (CS). Also called: Cowden's disease; Cowden's syndrome; Cowden disease. Identifiers: Orphanet 201, MedGen C0018553, MONDO:0016063. Disease mechanism: gain of function.

Allele frequency attached by ClinVar (database versions not stated): gnomAD exomes below 0.00001; ExAC 0.00001; gnomAD 0.00001; TOPMed 0.00002.
gnomAD v4.1: 6 of 1,607,164 alleles (0.00037%); highest among the groups gnomAD compares: Admixed American, 0.01%; no homozygotes.

Submission:

Labcorp Genetics (formerly Invitae), Labcorp
Classification: Uncertain significance for Cowden syndrome. Last evaluated: 2022-05-21. Review status: criteria provided, single submitter. Criteria: Invitae Variant Classification Sherloc (09022015). Collection method: clinical testing. Allele origin: germline.
Comment: This variant is present in population databases (rs755226907, gnomAD 0.01%). This variant has not been reported in the literature in individuals affected with PIK3CA-related conditions. Advanced modeling of protein sequence and biophysical properties (such as structural, functional, and spatial information, amino acid conservation, physicochemical variation, residue mobility, and thermodynamic stability) performed at Invitae indicates that this missense variant is not expected to disrupt PIK3CA protein function. In summary, the available evidence is currently insufficient to determine the role of this variant in disease. Therefore, it has been classified as a Variant of Uncertain Significance. This sequence change replaces arginine, which is basic and polar, with serine, which is neutral and polar, at codon 740 of the PIK3CA protein (p.Arg740Ser).